The following is an entry in ClinVar:

NM_052947.4(ALPK2):c.4283A>C (p.Gln1428Pro)

Genes: ALPK2 (alpha kinase 2; minus strand), LOC126862764 (BRD4-independent group 4 enhancer GRCh37_chr18:56202574-56203773; plus strand). Cytogenetic location: 18q21.31.
Variant type: single nucleotide variant.
Coding change: c.4283A>C on transcript NM_052947.4 (MANE Select); coding-DNA position 4283, A replaced by C.
Protein change: p.Gln1428Pro; replaces glutamine 1428 with proline.
Molecular consequence: missense variant.
Genome position (GRCh38, 1-based): chr18:58,535,904, T>G on the plus strand (A>C on the coding strand, the complement: ALPK2 is on the minus strand). VCF-style: chr18-58535904-T-G. GRCh37 (hg19) VCF-style: chr18-56203136-T-G.
Other names: short protein forms Q1428P.
Identifiers: ClinVar variation 1739362 (VCV001739362.2), dbSNP rs56145533, ClinGen allele CA402563356.
Genomic context (GRCh38, chr18:58,535,904, plus strand): 5'-TGGATTTCCGCTTCGTGGCCCATGTTTCCGTCATTTGATTGACCCCCTTCTCTGGCGCCC[T>G]GTGGTGTGGTTTCAGAGGGCTCTGGTTTTCCAGCCCTGGTGTACTCTATCACACTTATCT-3'
Protein context (NP_443179.3, residues 1418-1438): GKPEPSETTP[Gln1428Pro]GAREGGQSND

ClinVar aggregate classification (germline): Uncertain significance (1 of 4 stars; one submission).

Submission:

Ambry Genetics
Classification: Uncertain significance. Last evaluated: 2022-07-26. Review status: criteria provided, single submitter. Criteria: Ambry Variant Classification Scheme 2023. Collection method: clinical testing. Allele origin: germline.
Comment: The p.Q1428P variant (also known as c.4283A>C), located in coding exon 4 of the ALPK2 gene, results from an A to C substitution at nucleotide position 4283. The glutamine at codon 1428 is replaced by proline, an amino acid with similar properties. This amino acid position is conserved. In addition, this alteration is predicted to be tolerated by in silico analysis. Since supporting evidence is limited at this time, the clinical significance of this alteration remains unclear.